The following is an entry in ClinVar:

ClinVar aggregate classification (germline): Conflicting classifications of pathogenicity. Review status: criteria provided, conflicting classifications (1 of 4 stars). 4 submissions from 4 submitters: Uncertain significance (2); Benign (1). 1 of the submissions does not count toward it. Last evaluated 2026-01-22.

Conditions:
Nemaline myopathy 2 (NEM2). Also called: Nemaline myopathy 2, autosomal recessive. Identifiers: MedGen C1850569, MONDO:0009725, OMIM 256030.

Allele frequency attached by ClinVar (database versions not stated): ExAC below 0.00001; gnomAD 0.00002; gnomAD exomes 0.00004 and 0.00014; TOPMed 0.00005.
gnomAD v4.1: 26 of 1,542,836 alleles (0.0017%); highest among the groups gnomAD compares: Admixed American, 0.051%; no homozygotes.

Submissions (4):

Labcorp Genetics (formerly Invitae), Labcorp
Classification: Benign for Nemaline myopathy 2. Last evaluated: 2026-01-22. Review status: criteria provided, single submitter. Criteria: Invitae Variant Classification Sherloc (09022015). Collection method: clinical testing. Allele origin: germline.

CeGaT Center for Human Genetics Tuebingen
Classification: Uncertain significance. Last evaluated: 2025-10-01. Review status: criteria provided, single submitter. Criteria: CeGaT Center For Human Genetics Tuebingen Variant Classification Criteria Version 2. Collection method: clinical testing. Allele origin: germline. Affected: yes. Observed: 1 variant allele.
Comment: NEB: PM2

Revvity Omics, Revvity
Classification: Uncertain significance. Last evaluated: 2025-04-22. Review status: criteria provided, single submitter. Criteria: ACMG Guidelines, 2015. Collection method: clinical testing. Allele origin: germline.

Natera, Inc.
Classification: Uncertain significance for Nemaline myopathy type 2. Last evaluated: 2019-11-11. Review status: no assertion criteria provided. Collection method: clinical testing. Allele origin: germline. Not counted in ClinVar's aggregate classification.

NM_001164508.2(NEB):c.8968A>G (p.Arg2990Gly)

Gene: NEB (nebulin; minus strand). Cytogenetic location: 2q23.3.
Variant type: single nucleotide variant.
Coding change: c.8968A>G on transcript NM_001164508.2 (MANE Select); coding-DNA position 8968, A replaced by G.
Protein change: p.Arg2990Gly; replaces arginine 2990 with glycine.
Molecular consequence: missense variant. On other transcripts: intron variant (1).
Genome position (GRCh38, 1-based): chr2:151,639,306, T>C on the plus strand (A>G on the coding strand, the complement: NEB is on the minus strand). VCF-style: chr2-151639306-T-C. GRCh37 (hg19) VCF-style: chr2-152495820-T-C.
Other names: c.8968A>G, p.Arg2990Gly (NM_001164507.2, NM_001271208.2); c.8853+587A>G (NM_004543.5); short protein forms R2990G.
Identifiers: ClinVar variation 567165 (VCV000567165.18), dbSNP rs765940770, ClinGen allele CA1909460.